The following is an entry in ClinVar:

NM_014244.5(ADAMTS2):c.689-18G>A

Gene: ADAMTS2 (ADAM metallopeptidase with thrombospondin type 1 motif 2; minus strand). Cytogenetic location: 5q35.3.
Variant type: single nucleotide variant.
Coding change: c.689-18G>A on transcript NM_014244.5 (MANE Select); 18 bases into the intron before coding-DNA position 689, G replaced by A.
Molecular consequence: intron variant.
Genome position (GRCh38, 1-based): chr5:179,207,733, C>T on the plus strand (G>A on the coding strand, the complement: ADAMTS2 is on the minus strand). VCF-style: chr5-179207733-C-T. GRCh37 (hg19) VCF-style: chr5-178634734-C-T.
Other names: c.689-18G>A (NM_021599.4).
Identifiers: ClinVar variation 390109 (VCV000390109.13), dbSNP rs202114393, ClinGen allele CA3596209.

ClinVar aggregate classification (germline): Benign/Likely benign. Review status: criteria provided, multiple submitters, no conflicts (2 of 4 stars). 6 submissions from 6 submitters: Benign (2); Likely benign (4). Last evaluated 2026-04-01.

Conditions:
Ehlers-Danlos syndrome, dermatosparaxis type. Also called: EDS VIIC; Ehlers-Danlos syndrome, type VII, autosomal recessive; Dermatosparaxis. Identifiers: Orphanet 1901, MedGen C2700425, MONDO:0009161, OMIM 225410.

Allele frequency attached by ClinVar (database versions not stated): gnomAD 0.00177 and 0.00188; TOPMed 0.00177; ESP Exome Variant Server 0.00192; gnomAD exomes 0.00232 and 0.00165; 1000 Genomes Project 0.00100; 1000 Genomes Project 30x 0.00109; ExAC 0.00176.
gnomAD v4.1: 3,656 of 1,606,862 alleles (0.23%); highest among the groups gnomAD compares: Middle Eastern, 0.35%; 12 homozygotes.

Submissions (6):

Women's Health and Genetics/Laboratory Corporation of America, LabCorp
Classification: Benign. Last evaluated: 2026-04-01. Review status: criteria provided, single submitter. Criteria: LabCorp Variant Classification Summary - May 2015. Collection method: clinical testing. Allele origin: germline.
Comment: Variant summary: ADAMTS2 c.689-18G>A alters a nucleotide located at a position not widely known to affect splicing. Consensus agreement among computation tools predict no significant impact on normal splicing. However, these predictions have yet to be confirmed by functional studies. The variant allele was found at a frequency of 0.0017 in 244696 control chromosomes, predominantly at a frequency of 0.0026 within the South Asian subpopulation in the gnomAD database, including 1 homozygotes. The observed variant frequency within South Asian control individuals in the gnomAD database exceeds the estimated maximal expected allele frequency for disease-causing variants in ADAMTS2. To our knowledge, no occurrence of c.689-18G>A in individuals affected with ADAMTS2-related conditions and no experimental evidence demonstrating its impact on protein function have been reported. ClinVar contains an entry for this variant (Variation ID: 390109). Based on the evidence outlined above, the variant was classified as benign.

Labcorp Genetics (formerly Invitae), Labcorp
Classification: Benign for Ehlers-Danlos syndrome, dermatosparaxis type. Last evaluated: 2026-02-04. Review status: criteria provided, single submitter. Criteria: Invitae Variant Classification Sherloc (09022015). Collection method: clinical testing. Allele origin: germline.

Blueprint Genetics
Classification: Likely benign. Last evaluated: 2024-11-11. Review status: criteria provided, single submitter. Criteria: ACMG Guidelines, 2015. Collection method: clinical testing. Allele origin: germline.

Fulgent Genetics
Classification: Likely benign for Ehlers-Danlos syndrome, dermatosparaxis type. Last evaluated: 2022-04-05. Review status: criteria provided, single submitter. Criteria: ACMG Guidelines, 2015. Collection method: clinical testing. Allele origin: unknown.

GeneDx
Classification: Likely benign. Last evaluated: 2017-10-19. Review status: criteria provided, single submitter. Criteria: GeneDx Variant Classification (06012015). Collection method: clinical testing. Allele origin: germline. Affected: yes.
Comment: This variant is considered likely benign or benign based on one or more of the following criteria: it is a conservative change, it occurs at a poorly conserved position in the protein, it is predicted to be benign by multiple in silico algorithms, and/or has population frequency not consistent with disease.

Breakthrough Genomics
Classification: Likely benign. Review status: criteria provided, single submitter. Criteria: ACMG Guidelines, 2015. Collection method: not provided. Allele origin: germline. Inheritance: Autosomal recessive inheritance. Affected: yes.